The following is an entry in ClinVar:

NM_001379291.1(BRD4):c.4033A>G (p.Ile1345Val)

Gene: BRD4 (bromodomain containing 4; minus strand). Cytogenetic location: 19p13.12.
Variant type: single nucleotide variant.
Coding change: c.4033A>G on transcript NM_001379291.1 (MANE Select); coding-DNA position 4033, A replaced by G.
Protein change: p.Ile1345Val; replaces isoleucine 1345 with valine.
Molecular consequence: missense variant.
Genome position (GRCh38, 1-based): chr19:15,238,433, T>C on the plus strand (A>G on the coding strand, the complement: BRD4 is on the minus strand). VCF-style: chr19-15238433-T-C. GRCh37 (hg19) VCF-style: chr19-15349244-T-C.
Other names: c.4033A>G, p.Ile1345Val (NM_058243.3); short protein forms I1345V.
Identifiers: ClinVar variation 2100040 (VCV002100040.4), dbSNP rs2512702163, ClinGen allele CA404495871.

ClinVar aggregate classification (germline): Uncertain significance (1 of 4 stars; one submission).

Submission:

Labcorp Genetics (formerly Invitae), Labcorp
Classification: Uncertain significance. Last evaluated: 2022-02-24. Review status: criteria provided, single submitter. Criteria: Invitae Variant Classification Sherloc (09022015). Collection method: clinical testing. Allele origin: germline.
Comment: In summary, the available evidence is currently insufficient to determine the role of this variant in disease. Therefore, it has been classified as a Variant of Uncertain Significance. Algorithms developed to predict the effect of missense changes on protein structure and function are either unavailable or do not agree on the potential impact of this missense change (SIFT: "Deleterious"; PolyPhen-2: "Benign"; Align-GVGD: "Class C0"). This variant has not been reported in the literature in individuals affected with BRD4-related conditions. This variant is not present in population databases (gnomAD no frequency). This sequence change replaces isoleucine, which is neutral and non-polar, with valine, which is neutral and non-polar, at codon 1345 of the BRD4 protein (p.Ile1345Val).